The following is an entry in ClinVar:

ClinVar aggregate classification (germline): Uncertain significance (1 of 4 stars; one submission).

Conditions:
Asphyxiating thoracic dystrophy 5 (SRTD5). Also called: SHORT-RIB THORACIC DYSPLASIA 5 WITH OR WITHOUT POLYDACTYLY; SHORT-RIB THORACIC DYSPLASIA 5 WITHOUT POLYDACTYLY. Identifiers: Orphanet 474, MedGen C3280598, MONDO:0013717, OMIM 614376.
Senior-Loken syndrome 8 (SLSN8). Identifiers: Orphanet 3156, MedGen C4225376, MONDO:0014579, OMIM 616307.

Submission:

Labcorp Genetics (formerly Invitae), Labcorp
Classification: Uncertain significance for Senior-Loken syndrome 8; Asphyxiating thoracic dystrophy 5. Last evaluated: 2020-03-03. Review status: criteria provided, single submitter. Criteria: Invitae Variant Classification Sherloc (09022015). Collection method: clinical testing. Allele origin: germline.
Comment: This sequence change replaces glycine with serine at codon 243 of the WDR19 protein (p.Gly243Ser). The glycine residue is highly conserved and there is a small physicochemical difference between glycine and serine. This variant is not present in population databases (ExAC no frequency). This variant has not been reported in the literature in individuals with WDR19-related conditions. Algorithms developed to predict the effect of missense changes on protein structure and function (SIFT, PolyPhen-2, Align-GVGD) all suggest that this variant is likely to be disruptive, but these predictions have not been confirmed by published functional studies and their clinical significance is uncertain. In summary, the available evidence is currently insufficient to determine the role of this variant in disease. Therefore, it has been classified as a Variant of Uncertain Significance.

NM_025132.4(WDR19):c.727G>A (p.Gly243Ser)

Gene: WDR19 (WD repeat domain 19; plus strand). Cytogenetic location: 4p14.
Variant type: single nucleotide variant.
Coding change: c.727G>A on transcript NM_025132.4 (MANE Select); coding-DNA position 727, G replaced by A.
Protein change: p.Gly243Ser; replaces glycine 243 with serine.
Molecular consequence: missense variant.
Genome position (GRCh38, 1-based): chr4:39,205,573, G>A. VCF-style: chr4-39205573-G-A. GRCh37 (hg19) VCF-style: chr4-39207193-G-A.
Other names: c.247G>A, p.Gly83Ser (NM_001317924.2); short protein forms G243S, G83S.
Identifiers: ClinVar variation 1043189 (VCV001043189.8), dbSNP rs1727857328, ClinGen allele CA356634241.